The following is an entry in ClinVar:

NM_001048174.2(MUTYH):c.1428_1430del (p.Cys477del)

Gene: MUTYH (mutY DNA glycosylase; minus strand). Cytogenetic location: 1p34.1.
Variant type: Deletion.
Coding change: c.1428_1430del on transcript NM_001048174.2 (MANE Select); coding-DNA positions 1428 to 1430, 3 bases deleted (CTG; older notation c.1428_1430delCTG).
Protein change: p.Cys477del; deletes cysteine 477.
Molecular consequence: inframe deletion. On other transcripts: non-coding transcript variant (7).
Genome position (GRCh38, 1-based): chr1:45,330,520-45,330,522, CAG deleted on the plus strand (CTG on the coding strand, the reverse complement: MUTYH is on the minus strand). VCF-style (leftmost placement, unchanged base first): chr1-45330519-ACAG-A. GRCh37 (hg19) VCF-style: chr1-45796191-ACAG-A.
Other names: c.1428_1430del, p.Cys477del (NM_001048171.2, NM_001048173.2, NM_001293195.2 and 6 more transcripts); c.1431_1433del, p.Cys478del (NM_001048172.2, NM_001407071.1, NM_001407078.1 and 1 more transcripts); c.1512_1514del, p.Cys505del (NM_001128425.2); c.1473_1475del, p.Cys492del (NM_001293190.2); c.1461_1463del, p.Cys488del (NM_001293191.2, NM_001407069.1, NM_001407077.1); c.1152_1154del, p.Cys385del (NM_001293192.2, NM_001293196.2, NM_001407091.1); c.1083_1085del, p.Cys362del (NM_001350650.2, NM_001350651.2, NM_001407082.1); c.1344_1346del, p.Cys449del (NM_001407075.1); and 5 more; short protein forms C362del, C385del, C449del, C463del, C464del, C477del, C478del, C484del.
Identifiers: ClinVar variation 3338084 (VCV003338084.1).

ClinVar aggregate classification (germline): Likely pathogenic (0 of 4 stars; one submission).

Conditions:
Familial adenomatous polyposis 2. Also called: FAP type 2; COLORECTAL ADENOMATOUS POLYPOSIS, AUTOSOMAL RECESSIVE; ADENOMAS, MULTIPLE COLORECTAL, AUTOSOMAL RECESSIVE; MUTYH-associated polyposis; MUTYH-related attenuated familial adenomatous polyposis; MYH-associated polyposis. Identifiers: Orphanet 220460, Orphanet 247798, MedGen C3272841, MONDO:0012041, OMIM 608456.

Submission:

Solve-RD Consortium
Classification: Likely pathogenic for Familial adenomatous polyposis 2. Last evaluated: 2022-06-01. Review status: no assertion criteria provided. Collection method: provider interpretation. Allele origin: inherited. Affected: yes.
Comment: Variant confirmed as disease-causing by referring clinical team

Variant identified during reanalysis of unsolved cases by the Solve-RD project. The Solve-RD project has received funding from the European Union’s Horizon 2020 research and innovation programme under grant agreement No 779257.

Literature cited by the submitters: PubMed 39825153.